The following is an entry in ClinVar:

ClinVar aggregate classification (germline): Pathogenic (0 of 4 stars; one submission).

Conditions:
alpha Thalassemia. Also called: Alpha thalassemia spectrum. Identifiers: Orphanet 846, MedGen C0002312, MONDO:0011399, OMIM 604131.

Submission:

MOLECULAR BIOLOGY AND HUMAN GENETICS DIVISION, THE UNIVERSITY OF BURDWAN
Classification: Pathogenic for alpha Thalassemia. Last evaluated: 2025-04-21. Review status: no assertion criteria provided. Collection method: research. Allele origin: germline. Affected: yes. Observed: 6 variant alleles.
Comment: It produces excess alpha-globin gene product. When it is present in a beta Thalassemia Carrier, it aggravates the clinical severity of the carrier subject

Increase the severity of the patients when presented with other beta mutation, commonly occuring in the Bengali Population

Literature cited by the submitters: PubMed 14500599.

NC_000016.10:g.173384_177187dup

Genes: HBA1 (hemoglobin subunit alpha 1; plus strand), HBA2 (hemoglobin subunit alpha 2; plus strand), LOC106804612 (hemoglobin subunit alpha 2 recombination region; plus strand). Cytogenetic location: 16p13.3.
Variant type: Duplication.
Genome position: GRCh38: chr16:173,384-177,187. GRCh37 (hg19): chr16:223,383-227,186.
Identifiers: ClinVar variation 3893661 (VCV003893661.1).